The following is an entry in ClinVar:

ClinVar aggregate classification (germline): Uncertain significance (1 of 4 stars; one submission).

Submission:

Labcorp Genetics (formerly Invitae), Labcorp
Classification: Uncertain significance. Last evaluated: 2025-10-01. Review status: criteria provided, single submitter. Criteria: Invitae Variant Classification Sherloc (09022015). Collection method: clinical testing. Allele origin: germline.
Comment: This sequence change replaces proline, which is neutral and non-polar, with serine, which is neutral and polar, at codon 173 of the KLF1 protein (p.Pro173Ser). This variant is not present in population databases (gnomAD no frequency). This variant has not been reported in the literature in individuals affected with KLF1-related conditions. Invitae Evidence Modeling of protein sequence and biophysical properties (such as structural, functional, and spatial information, amino acid conservation, physicochemical variation, residue mobility, and thermodynamic stability) indicates that this missense variant is not expected to disrupt KLF1 protein function with a negative predictive value of 80%. In summary, the available evidence is currently insufficient to determine the role of this variant in disease. Therefore, it has been classified as a Variant of Uncertain Significance.

NM_006563.5(KLF1):c.517C>T (p.Pro173Ser)

Genes: KLF1 (KLF transcription factor 1; minus strand), LOC130063673 (ATAC-STARR-seq lymphoblastoid silent region 10180; plus strand). Cytogenetic location: 19p13.13.
Variant type: single nucleotide variant.
Coding change: c.517C>T on transcript NM_006563.5 (MANE Select); coding-DNA position 517, C replaced by T.
Protein change: p.Pro173Ser; replaces proline 173 with serine.
Molecular consequence: missense variant.
Genome position (GRCh38, 1-based): chr19:12,885,713, G>A on the plus strand (C>T on the coding strand, the complement: KLF1 is on the minus strand). VCF-style: chr19-12885713-G-A. GRCh37 (hg19) VCF-style: chr19-12996527-G-A.
Other names: short protein forms P173S.
Identifiers: ClinVar variation 4741200 (VCV004741200.1).
Genomic context (GRCh38, chr19:12,885,713, plus strand): 5'-ACGCCGCAGGCACTGAAAGCCCGGTCCGCGGGAAGTAGCCACCCGAGGAGCCGGCGCCGG[G>A]CCCCGGGTACACCGGTTGCAGCGCCAGCGCCTTGGGCTCGGGGGCCGGGGCTGGAGCCAG-3'
Protein context (NP_006554.1, residues 163-183): ALALQPVYPG[Pro173Ser]GAGSSGGYFP